The following is an entry in ClinVar:

NM_032833.5(PPP1R15B):c.467T>C (p.Leu156Pro)

Gene: PPP1R15B (protein phosphatase 1 regulatory subunit 15B; minus strand). Cytogenetic location: 1q32.1.
Variant type: single nucleotide variant.
Coding change: c.467T>C on transcript NM_032833.5 (MANE Select); coding-DNA position 467, T replaced by C.
Protein change: p.Leu156Pro; replaces leucine 156 with proline.
Molecular consequence: missense variant.
Genome position (GRCh38, 1-based): chr1:204,410,945, A>G on the plus strand (T>C on the coding strand, the complement: PPP1R15B is on the minus strand). VCF-style: chr1-204410945-A-G. GRCh37 (hg19) VCF-style: chr1-204380073-A-G.
Other names: short protein forms L156P.
Identifiers: ClinVar variation 2124604 (VCV002124604.4), dbSNP rs1014675637, ClinGen allele CA35772892.

ClinVar aggregate classification (germline): Uncertain significance (1 of 4 stars; one submission).

Allele frequency attached by ClinVar (database versions not stated): TOPMed below 0.00001; gnomAD 0.00001.

Submission:

Labcorp Genetics (formerly Invitae), Labcorp
Classification: Uncertain significance. Last evaluated: 2023-12-18. Review status: criteria provided, single submitter. Criteria: Invitae Variant Classification Sherloc (09022015). Collection method: clinical testing. Allele origin: germline.
Comment: This sequence change replaces leucine, which is neutral and non-polar, with proline, which is neutral and non-polar, at codon 156 of the PPP1R15B protein (p.Leu156Pro). This variant is not present in population databases (gnomAD no frequency). This variant has not been reported in the literature in individuals affected with PPP1R15B-related conditions. ClinVar contains an entry for this variant (Variation ID: 2124604). Advanced modeling of protein sequence and biophysical properties (such as structural, functional, and spatial information, amino acid conservation, physicochemical variation, residue mobility, and thermodynamic stability) performed at Invitae indicates that this missense variant is not expected to disrupt PPP1R15B protein function with a negative predictive value of 80%. In summary, the available evidence is currently insufficient to determine the role of this variant in disease. Therefore, it has been classified as a Variant of Uncertain Significance.